The following is an entry in ClinVar:

ClinVar aggregate classification (germline): Likely benign. Review status: criteria provided, multiple submitters, no conflicts (2 of 4 stars). 4 submissions from 4 submitters: Likely benign (3). 1 of the submissions does not count toward it. Last evaluated 2025-12-17.

Conditions:
GLI3-related disorder. Also called: GLI3-related condition; GLI3-related disorders. Identifiers: MedGen CN239292.
Pallister-Hall syndrome (PHS). Also called: GLI3-Related Pallister-Hall Syndrome; HYPOTHALAMIC HAMARTOBLASTOMA, HYPOPITUITARISM, IMPERFORATE ANUS, AND POSTAXIAL POLYDACTYLY. Identifiers: Orphanet 672, MedGen C0265220, MONDO:0007804, OMIM 146510.
Greig cephalopolysyndactyly syndrome (GCPS). Also called: Greig syndrome; GLI3-Related Greig Cephalopolysyndactyly Syndrome; POLYSYNDACTYLY WITH PECULIAR SKULL SHAPE. Identifiers: Orphanet 380, MedGen C0265306, MONDO:0008287, OMIM 175700.

Allele frequency attached by ClinVar (database versions not stated): TOPMed 0.00013; ESP Exome Variant Server 0.00015; gnomAD 0.00017 and 0.00018; ExAC 0.00021; gnomAD exomes 0.00021 and 0.00022.
gnomAD v4.1: 347 of 1,611,554 alleles (0.022%); highest among the groups gnomAD compares: Non-Finnish European, 0.022%; no homozygotes.

Submissions (4):

Labcorp Genetics (formerly Invitae), Labcorp
Classification: Likely benign for Pallister-Hall syndrome; Greig cephalopolysyndactyly syndrome. Last evaluated: 2025-12-17. Review status: criteria provided, single submitter. Criteria: Invitae Variant Classification Sherloc (09022015). Collection method: clinical testing. Allele origin: germline.

Blueprint Genetics
Classification: Likely benign. Last evaluated: 2024-07-08. Review status: criteria provided, single submitter. Criteria: ACMG Guidelines, 2015. Collection method: clinical testing. Allele origin: germline.

CeGaT Center for Human Genetics Tuebingen
Classification: Likely benign. Last evaluated: 2022-06-01. Review status: criteria provided, single submitter. Criteria: CeGaT Center For Human Genetics Tuebingen Variant Classification Criteria Version 2. Collection method: clinical testing. Allele origin: germline. Affected: yes. Observed: 1 variant allele.
Comment: GLI3: BP4, BP7

PreventionGenetics, part of Exact Sciences
Classification: Likely benign for GLI3-related condition. Last evaluated: 2019-11-26. Review status: no assertion criteria provided. Collection method: clinical testing. Allele origin: germline. Not counted in ClinVar's aggregate classification.
Comment: This variant is classified as likely benign based on ACMG/AMP sequence variant interpretation guidelines (Richards et al. 2015 PMID: 25741868, with internal and published modifications).

NM_000168.6(GLI3):c.567C>T (p.Pro189=)

Gene: GLI3 (GLI family zinc finger 3; minus strand). Cytogenetic location: 7p14.1.
Variant type: single nucleotide variant.
Coding change: c.567C>T on transcript NM_000168.6 (MANE Select); coding-DNA position 567, C replaced by T.
Protein change: p.Pro189=; no amino-acid change (proline 189 retained).
Molecular consequence: synonymous variant.
Genome position (GRCh38, 1-based): chr7:42,048,603, G>A on the plus strand (C>T on the coding strand, the complement: GLI3 is on the minus strand). VCF-style: chr7-42048603-G-A. GRCh37 (hg19) VCF-style: chr7-42088202-G-A.
Identifiers: ClinVar variation 704619 (VCV000704619.40), dbSNP rs371984494, ClinGen allele CA4231142.